The following is an entry in ClinVar:

ClinVar aggregate classification (germline): Uncertain significance (1 of 4 stars; one submission).

Conditions:
Inborn genetic diseases. Identifiers: MedGen C0950123, MeSH D030342.

Submission:

Ambry Genetics
Classification: Uncertain significance for Inborn genetic diseases. Last evaluated: 2024-11-04. Review status: criteria provided, single submitter. Criteria: Ambry Variant Classification Scheme 2023. Collection method: clinical testing. Allele origin: germline.
Comment: The c.4639A>G (p.R1547G) alteration is located in exon 23 (coding exon 22) of the SPTBN1 gene. This alteration results from an A to G substitution at nucleotide position 4639, causing the arginine (R) at amino acid position 1547 to be replaced by a glycine (G). This variant was not reported in population-based cohorts in the Genome Aggregation Database (gnomAD). This amino acid position is highly conserved in available vertebrate species. This alteration is predicted to be deleterious by in silico analysis. Based on insufficient or conflicting evidence, the clinical significance of this alteration remains unclear.

NM_003128.3(SPTBN1):c.4639A>G (p.Arg1547Gly)

Gene: SPTBN1 (spectrin beta, non-erythrocytic 1; plus strand). Cytogenetic location: 2p16.2.
Variant type: single nucleotide variant.
Coding change: c.4639A>G on transcript NM_003128.3 (MANE Select); coding-DNA position 4639, A replaced by G.
Protein change: p.Arg1547Gly; replaces arginine 1547 with glycine.
Molecular consequence: missense variant.
Genome position (GRCh38, 1-based): chr2:54,646,248, A>G. VCF-style: chr2-54646248-A-G. GRCh37 (hg19) VCF-style: chr2-54873385-A-G.
Other names: c.4600A>G, p.Arg1534Gly (NM_178313.3); short protein forms R1547G, R1534G.
Identifiers: ClinVar variation 2230290 (VCV002230290.3), dbSNP rs2549557284, ClinGen allele CA346903131.
Genomic context (GRCh38, chr2:54,646,248, plus strand): 5'-CTCCAGACCCTCCAGAAAGAAATCCAGGGGCACCAGCCTCGCATTGACGACATCTTTGAG[A>G]GGAGCCAAAACATCGTCACTGACAGCAGCAGCCTCAGCGCTGAGGCCATCAGACAGAGGC-3'
Protein context (NP_003119.2, residues 1537-1557): HQPRIDDIFE[Arg1547Gly]SQNIVTDSSS